The following is an entry in ClinVar:

NM_006767.4(LZTR1):c.643T>C (p.Trp215Arg)

Gene: LZTR1 (leucine zipper like post translational regulator 1; plus strand). Cytogenetic location: 22q11.21.
Variant type: single nucleotide variant.
Coding change: c.643T>C on transcript NM_006767.4 (MANE Select); coding-DNA position 643, T replaced by C.
Protein change: p.Trp215Arg; replaces tryptophan 215 with arginine.
Molecular consequence: missense variant.
Genome position (GRCh38, 1-based): chr22:20,989,674, T>C. VCF-style: chr22-20989674-T-C. GRCh37 (hg19) VCF-style: chr22-21343963-T-C.
Other names: short protein forms W215R.
Identifiers: ClinVar variation 1753547 (VCV001753547.4), dbSNP rs2518614960, ClinGen allele CA410780375.

ClinVar aggregate classification (germline): Uncertain significance. Review status: criteria provided, multiple submitters, no conflicts (2 of 4 stars). 2 submissions from 2 submitters: Uncertain significance (2). Last evaluated 2022-11-08.

Conditions:
Cardiovascular phenotype. Identifiers: MedGen CN230736.
Hereditary cancer-predisposing syndrome. Also called: Neoplastic Syndromes, Hereditary; Tumor predisposition; Hereditary Cancer Syndrome; Hereditary neoplastic syndrome. Identifiers: Orphanet 140162, MedGen C0027672, MeSH D009386, MONDO:0015356.

Submissions (2):

Ambry Genetics
Classification: Uncertain significance for Cardiovascular phenotype; Hereditary cancer-predisposing syndrome. Last evaluated: 2022-11-08. Review status: criteria provided, single submitter. Criteria: Ambry Variant Classification Scheme 2023. Collection method: clinical testing. Allele origin: germline.

Labcorp Genetics (formerly Invitae), Labcorp
Classification: Uncertain significance. Last evaluated: 2022-08-12. Review status: criteria provided, single submitter. Criteria: Invitae Variant Classification Sherloc (09022015). Collection method: clinical testing. Allele origin: germline.
Comment: This sequence change replaces tryptophan, which is neutral and slightly polar, with arginine, which is basic and polar, at codon 215 of the LZTR1 protein (p.Trp215Arg). This variant is not present in population databases (gnomAD no frequency). This variant has not been reported in the literature in individuals affected with LZTR1-related conditions. Algorithms developed to predict the effect of missense changes on protein structure and function are either unavailable or do not agree on the potential impact of this missense change (SIFT: "Tolerated"; PolyPhen-2: "Probably Damaging"; Align-GVGD: "Class C0"). In summary, the available evidence is currently insufficient to determine the role of this variant in disease. Therefore, it has been classified as a Variant of Uncertain Significance.